The following is an entry in ClinVar:

NM_001077653.2(TBX20):c.457G>A (p.Val153Ile)

Gene: TBX20 (T-box transcription factor 20; minus strand). Cytogenetic location: 7p14.2.
Variant type: single nucleotide variant.
Coding change: c.457G>A on transcript NM_001077653.2 (MANE Select); coding-DNA position 457, G replaced by A.
Protein change: p.Val153Ile; replaces valine 153 with isoleucine.
Molecular consequence: missense variant.
Genome position (GRCh38, 1-based): chr7:35,248,765, C>T on the plus strand (G>A on the coding strand, the complement: TBX20 is on the minus strand). VCF-style: chr7-35248765-C-T. GRCh37 (hg19) VCF-style: chr7-35288377-C-T.
Other names: c.457G>A, p.Val153Ile (NM_001166220.1); short protein forms V153I.
Identifiers: ClinVar variation 1223434 (VCV001223434.20), dbSNP rs776152314, ClinGen allele CA4217502.

ClinVar aggregate classification (germline): Uncertain significance. Review status: criteria provided, multiple submitters, no conflicts (2 of 4 stars). 5 submissions from 5 submitters: Uncertain significance (5). Last evaluated 2026-01-20.

Conditions:
Atrial septal defect 4 (ASD4). Identifiers: Orphanet 1478, MedGen C1969657, MONDO:0012654, OMIM 611363.
Cardiovascular phenotype. Identifiers: MedGen CN230736.

Allele frequency attached by ClinVar (database versions not stated): gnomAD 0.00011.

Submissions (5):

GeneDx
Classification: Uncertain significance. Last evaluated: 2026-01-20. Review status: criteria provided, single submitter. Criteria: GeneDx Variant Classification Process June 2021. Collection method: clinical testing. Allele origin: germline. Affected: yes.
Comment: Has not been previously published as pathogenic or benign to our knowledge; In silico analysis suggests that this missense variant does not alter protein structure/function

Labcorp Genetics (formerly Invitae), Labcorp
Classification: Uncertain significance. Last evaluated: 2025-12-19. Review status: criteria provided, single submitter. Criteria: Invitae Variant Classification Sherloc (09022015). Collection method: clinical testing. Allele origin: germline.
Comment: This sequence change replaces valine, which is neutral and non-polar, with isoleucine, which is neutral and non-polar, at codon 153 of the TBX20 protein (p.Val153Ile). This variant is present in population databases (rs776152314, gnomAD 0.02%). This variant has not been reported in the literature in individuals affected with TBX20-related conditions. ClinVar contains an entry for this variant (Variation ID: 1223434). Invitae Evidence Modeling of protein sequence and biophysical properties (such as structural, functional, and spatial information, amino acid conservation, physicochemical variation, residue mobility, and thermodynamic stability) indicates that this missense variant is not expected to disrupt TBX20 protein function with a negative predictive value of 80%. In summary, the available evidence is currently insufficient to determine the role of this variant in disease. Therefore, it has been classified as a Variant of Uncertain Significance.

Ambry Genetics
Classification: Uncertain significance for Cardiovascular phenotype. Last evaluated: 2025-11-04. Review status: criteria provided, single submitter. Criteria: Ambry Variant Classification Scheme 2023. Collection method: clinical testing. Allele origin: germline.
Comment: The p.V153I variant (also known as c.457G>A), located in coding exon 3 of the TBX20 gene, results from a G to A substitution at nucleotide position 457. The valine at codon 153 is replaced by isoleucine, an amino acid with highly similar properties. This amino acid position is highly conserved in available vertebrate species. In addition, the in silico prediction for this alteration is inconclusive. Since supporting evidence is limited at this time, the clinical significance of this alteration remains unclear.

Fulgent Genetics
Classification: Uncertain significance for Atrial septal defect 4. Last evaluated: 2021-10-18. Review status: criteria provided, single submitter. Criteria: ACMG Guidelines, 2015. Collection method: clinical testing. Allele origin: unknown.

Breakthrough Genomics
Classification: Uncertain significance. Review status: criteria provided, single submitter. Criteria: ACMG Guidelines, 2015. Collection method: not provided. Allele origin: germline. Inheritance: Unknown mechanism. Affected: yes.